The following is an entry in ClinVar:

NM_001903.5(CTNNA1):c.1675G>A (p.Glu559Lys)

Gene: CTNNA1 (catenin alpha 1; plus strand). Cytogenetic location: 5q31.2.
Variant type: single nucleotide variant.
Coding change: c.1675G>A on transcript NM_001903.5 (MANE Select); coding-DNA position 1675, G replaced by A.
Protein change: p.Glu559Lys; replaces glutamic acid 559 with lysine.
Molecular consequence: missense variant.
Genome position (GRCh38, 1-based): chr5:138,924,638, G>A. VCF-style: chr5-138924638-G-A. GRCh37 (hg19) VCF-style: chr5-138260327-G-A.
Other names: c.565G>A, p.Glu189Lys (NM_001323990.1, NM_001323991.1, NM_001323992.1 and 17 more transcripts); c.1675G>A, p.Glu559Lys (NM_001290307.3, NM_001323982.2, NM_001323983.1 and 2 more transcripts); c.1366G>A, p.Glu456Lys (NM_001290309.3); c.1306G>A, p.Glu436Lys (NM_001290310.3); c.1582G>A, p.Glu528Lys (NM_001323986.2); c.226G>A, p.Glu76Lys (NM_001324009.1, NM_001324010.1, NM_001324006.1 and 2 more transcripts); c.472G>A, p.Glu158Lys (NM_001324011.1); c.322G>A, p.Glu108Lys (NM_001324012.1, NM_001324013.1); short protein forms E528K, E108K, E456K, E158K, E436K, E559K, E189K, E76K.
Identifiers: ClinVar variation 3705551 (VCV003705551.2).

ClinVar aggregate classification (germline): Uncertain significance (1 of 4 stars; one submission).

gnomAD v4.1: 2 of 1,612,262 alleles (0.00012%); highest among the groups gnomAD compares: Non-Finnish European, 0.00017%; no homozygotes.

Submission:

Labcorp Genetics (formerly Invitae), Labcorp
Classification: Uncertain significance. Last evaluated: 2025-01-08. Review status: criteria provided, single submitter. Criteria: Invitae Variant Classification Sherloc (09022015). Collection method: clinical testing. Allele origin: germline.
Comment: This sequence change replaces glutamic acid, which is acidic and polar, with lysine, which is basic and polar, at codon 559 of the CTNNA1 protein (p.Glu559Lys). This variant is not present in population databases (gnomAD no frequency). This variant has not been reported in the literature in individuals affected with CTNNA1-related conditions. Invitae Evidence Modeling of protein sequence and biophysical properties (such as structural, functional, and spatial information, amino acid conservation, physicochemical variation, residue mobility, and thermodynamic stability) has been performed for this missense variant. However, the output from this modeling did not meet the statistical confidence thresholds required to predict the impact of this variant on CTNNA1 protein function. In summary, the available evidence is currently insufficient to determine the role of this variant in disease. Therefore, it has been classified as a Variant of Uncertain Significance.